The following is an entry in ClinVar:

ClinVar aggregate classification (germline): Pathogenic/Likely pathogenic. Review status: criteria provided, multiple submitters, no conflicts (2 of 4 stars). 2 submissions from 2 submitters: Pathogenic (1); Likely pathogenic (1). Last evaluated 2025-05-01.

Conditions:
FLG-related disorder. Also called: FLG-related condition; FLG-related disorders.

Allele frequency attached by ClinVar (database versions not stated): gnomAD 0.00003; gnomAD exomes 0.00007; ExAC 0.00010.

Submissions (2):

GeneDx
Classification: Pathogenic. Last evaluated: 2025-05-01. Review status: criteria provided, single submitter. Criteria: GeneDx Variant Classification Process June 2021. Collection method: clinical testing. Allele origin: germline. Affected: yes.
Comment: Identified in a patient with ripple pattern lichen amyloidosis, atopic dermatitis, and allergies in the published literature (PMID: 27530091); Nonsense variant predicted to result in protein truncation, as the last 1053 amino acids are lost, and other loss-of-function variants have been reported downstream in HGMD; This variant is associated with the following publications: (PMID: 37200867, 27530091)

Blueprint Genetics
Classification: Likely pathogenic for FLG-related disorders. Last evaluated: 2024-03-24. Review status: criteria provided, single submitter. Criteria: ACMG Guidelines, 2015. Collection method: clinical testing. Allele origin: germline. Affected: yes. Observed: 5 variant alleles.

NM_002016.2(FLG):c.9025C>T (p.Arg3009Ter)

Genes: CCDST (cervical cancer associated DHX9 suppressive transcript; plus strand), FLG (filaggrin; minus strand). Cytogenetic location: 1q21.3.
Variant type: single nucleotide variant.
Coding change: c.9025C>T on transcript NM_002016.2 (MANE Select); coding-DNA position 9025, C replaced by T.
Protein change: p.Arg3009Ter; replaces arginine 3009 with a stop codon.
Molecular consequence: nonsense.
Genome position (GRCh38, 1-based): chr1:152,305,861, G>A on the plus strand (C>T on the coding strand, the complement: FLG is on the minus strand). VCF-style: chr1-152305861-G-A. GRCh37 (hg19) VCF-style: chr1-152278337-G-A.
Other names: short protein forms R3009*.
Identifiers: ClinVar variation 1207438 (VCV001207438.11), dbSNP rs751209525, ClinGen allele CA1103942.
Genomic context (GRCh38, chr1:152,305,861, plus strand): 5'-GTGTGTCTGAGTCTTCTGAATGTCCCTCATTGTCACTGGCCTGACTACCACTGTACCCTC[G>A]GTGTCCACTGTCTCTGACTGCAGATGAAGCTTGTCCGTGCCCAATGCCTGAGTGTCTGGA-3'